The following is an entry in ClinVar:

NM_144688.5(KASH5):c.1116G>A (p.Ser372=)

Gene: KASH5 (KASH domain containing 5; plus strand). Cytogenetic location: 19q13.33.
Variant type: single nucleotide variant.
Coding change: c.1116G>A on transcript NM_144688.5 (MANE Select); coding-DNA position 1116, G replaced by A.
Protein change: p.Ser372=; no amino-acid change (serine 372 retained).
Molecular consequence: synonymous variant.
Genome position (GRCh38, 1-based): chr19:49,409,253, G>A. VCF-style: chr19-49409253-G-A. GRCh37 (hg19) VCF-style: chr19-49912510-G-A.
Identifiers: ClinVar variation 2650238 (VCV002650238.24), dbSNP rs199694412, ClinGen allele CA9572347.

ClinVar aggregate classification (germline): Likely benign (1 of 4 stars; one submission).

Allele frequency attached by ClinVar (database versions not stated): 1000 Genomes Project 0.00120; gnomAD 0.00138; ESP Exome Variant Server 0.00154; 1000 Genomes Project 30x 0.00156; TOPMed 0.00192; ExAC 0.00228.
gnomAD v4.1: 2,470 of 1,613,902 alleles (0.15%); highest among the groups gnomAD compares: Middle Eastern, 2.7%; 22 homozygotes.

Submission:

CeGaT Center for Human Genetics Tuebingen
Classification: Likely benign. Last evaluated: 2023-01-01. Review status: criteria provided, single submitter. Criteria: CeGaT Center For Human Genetics Tuebingen Variant Classification Criteria Version 2. Collection method: clinical testing. Allele origin: germline. Affected: yes. Observed: 1 variant allele.
Comment: KASH5: BP4, BP7, BS2